The following is an entry in ClinVar:

ClinVar aggregate classification (germline): Uncertain significance (1 of 4 stars; one submission).

Submission:

GeneDx
Classification: Uncertain significance. Last evaluated: 2024-07-11. Review status: criteria provided, single submitter. Criteria: GeneDx Variant Classification Process June 2021. Collection method: clinical testing. Allele origin: germline. Affected: yes.
Comment: Not observed at significant frequency in large population cohorts (gnomAD); In silico analysis indicates that this missense variant does not alter protein structure/function; Has not been previously published as pathogenic or benign to our knowledge.

NM_000814.6(GABRB3):c.130C>A (p.Leu44Met)

Gene: GABRB3 (gamma-aminobutyric acid type A receptor subunit beta3; minus strand). Cytogenetic location: 15q12.
Variant type: single nucleotide variant.
Coding change: c.130C>A on transcript NM_000814.6 (MANE Select); coding-DNA position 130, C replaced by A.
Protein change: p.Leu44Met; replaces leucine 44 with methionine.
Molecular consequence: missense variant. On other transcripts: 5 prime UTR variant (1).
Genome position (GRCh38, 1-based): chr15:26,772,723, G>T on the plus strand (C>A on the coding strand, the complement: GABRB3 is on the minus strand). VCF-style: chr15-26772723-G-T. GRCh37 (hg19) VCF-style: chr15-27017870-G-T.
Other names: c.-222C>A (NM_001278631.2); c.130C>A, p.Leu44Met (NM_021912.5); short protein forms L44M.
Identifiers: ClinVar variation 3572786 (VCV003572786.1).